The following is an entry in ClinVar:

NM_000059.4(BRCA2):c.1430A>G (p.His477Arg)

Gene: BRCA2 (BRCA2 DNA repair associated; plus strand). Cytogenetic location: 13q13.1.
Variant type: single nucleotide variant.
Coding change: c.1430A>G on transcript NM_000059.4 (MANE Select); coding-DNA position 1430, A replaced by G.
Protein change: p.His477Arg; replaces histidine 477 with arginine.
Molecular consequence: missense variant. On other transcripts: non-coding transcript variant (1), intron variant (1).
Genome position (GRCh38, 1-based): chr13:32,332,908, A>G. VCF-style: chr13-32332908-A-G. GRCh37 (hg19) VCF-style: chr13-32907045-A-G.
Other names: c.1430A>G, p.His477Arg (NM_001406719.1, NM_001406720.1, NM_001406721.1 and 1 more transcripts); c.424+1878A>G (NM_001406722.1); short protein forms H477R.
Identifiers: ClinVar variation 3481928 (VCV003481928.2).
Genomic context (GRCh38, chr13:32,332,908, plus strand): 5'-AGCCATTAAATGAGGAAACAGTGGTAAATAAGAGAGATGAAGAGCAGCATCTTGAATCTC[A>G]TACAGACTGCATTCTTGCAGTAAAGCAGGCAATATCTGGAACTTCTCCAGTGGCTTCTTC-3'
Protein context (NP_000050.3, residues 467-487): KRDEEQHLES[His477Arg]TDCILAVKQA

ClinVar aggregate classification (germline): Uncertain significance. Review status: criteria provided, multiple submitters, no conflicts (2 of 4 stars). 2 submissions from 2 submitters: Uncertain significance (2). Last evaluated 2025-07-23.

Conditions:
Hereditary cancer-predisposing syndrome. Also called: Tumor predisposition; Neoplastic Syndromes, Hereditary; Hereditary Cancer Syndrome; Hereditary neoplastic syndrome. Identifiers: Orphanet 140162, MedGen C0027672, MeSH D009386, MONDO:0015356.
Hereditary breast ovarian cancer syndrome. Also called: Hereditary breast and ovarian cancer; Breast and ovarian cancer; Hereditary breast and/or ovarian cancer syndrome; Hereditary breast and ovarian cancer syndrome; BRCA1- and BRCA2-Associated Hereditary Breast and Ovarian Cancer; Hereditary breast and ovarian cancer syndrome (HBOC). Identifiers: Orphanet 145, MedGen C0677776, MeSH D061325, MONDO:0003582. Disease mechanism: loss of function.

gnomAD v4.1: 1 of 1,610,230 alleles (0.000062%); highest among the groups gnomAD compares: South Asian, 0.0011%; no homozygotes.

Submissions (2):

Labcorp Genetics (formerly Invitae), Labcorp
Classification: Uncertain significance for Hereditary breast ovarian cancer syndrome. Last evaluated: 2025-07-23. Review status: criteria provided, single submitter. Criteria: Invitae Variant Classification Sherloc (09022015). Collection method: clinical testing. Allele origin: germline.
Comment: This sequence change replaces histidine, which is basic and polar, with arginine, which is basic and polar, at codon 477 of the BRCA2 protein (p.His477Arg). This variant is not present in population databases (gnomAD no frequency). This variant has not been reported in the literature in individuals affected with BRCA2-related conditions. ClinVar contains an entry for this variant (Variation ID: 3481928). Invitae Evidence Modeling of protein sequence and biophysical properties (such as structural, functional, and spatial information, amino acid conservation, physicochemical variation, residue mobility, and thermodynamic stability) indicates that this missense variant is not expected to disrupt BRCA2 protein function with a negative predictive value of 95%. In summary, the available evidence is currently insufficient to determine the role of this variant in disease. Therefore, it has been classified as a Variant of Uncertain Significance.

Ambry Genetics
Classification: Uncertain significance for Hereditary cancer-predisposing syndrome. Last evaluated: 2024-08-05. Review status: criteria provided, single submitter. Criteria: Ambry Variant Classification Scheme 2023. Collection method: clinical testing. Allele origin: germline.
Comment: The p.H477R variant (also known as c.1430A>G), located in coding exon 9 of the BRCA2 gene, results from an A to G substitution at nucleotide position 1430. The histidine at codon 477 is replaced by arginine, an amino acid with highly similar properties. This amino acid position is conserved. In addition, this alteration is predicted to be tolerated by in silico analysis. Based on the available evidence, the clinical significance of this variant remains unclear.